The following is an entry in ClinVar:

ClinVar aggregate classification (germline): Uncertain significance. Review status: criteria provided, multiple submitters, no conflicts (2 of 4 stars). 2 submissions from 2 submitters: Uncertain significance (2). Last evaluated 2024-11-13.

Conditions:
Fanconi anemia (FA). Also called: Fanconi's anemia. Identifiers: Orphanet 84, MedGen C0015625, MeSH D005199, MONDO:0019391.

Allele frequency attached by ClinVar (database versions not stated): gnomAD exomes below 0.00001 and 0.00002; ExAC 0.00003; gnomAD 0.00003; TOPMed 0.00005; ESP Exome Variant Server 0.00008; 1000 Genomes Project 30x 0.00016; 1000 Genomes Project 0.00020.
gnomAD v4.1: 7 of 1,610,750 alleles (0.00043%); highest among the groups gnomAD compares: African/African-American, 0.0093%; no homozygotes.

Submissions (2):

Quest Diagnostics Nichols Institute San Juan Capistrano
Classification: Uncertain significance. Last evaluated: 2024-11-13. Review status: criteria provided, single submitter. Criteria: Quest Diagnostics criteria. Collection method: clinical testing. Allele origin: unknown.
Comment: The FANCM c.4456G>A (p.Val1486Ile) variant has not been reported in individuals with FANCM-related conditions in the published literature. The frequency of this variant in the general population, 0.0002 (5/24956 chromosomes (Genome Aggregation Database)), is uninformative in the assessment of its pathogenicity. Analysis of this variant using bioinformatics tools for the prediction of the effect of amino acid changes on protein structure and function yielded predictions that this variant is benign. Based on the available information, we are unable to determine the clinical significance of this variant.

Labcorp Genetics (formerly Invitae), Labcorp
Classification: Uncertain significance for Fanconi anemia. Last evaluated: 2020-03-23. Review status: criteria provided, single submitter. Criteria: Invitae Variant Classification Sherloc (09022015). Collection method: clinical testing. Allele origin: germline.
Comment: Algorithms developed to predict the effect of missense changes on protein structure and function (SIFT, PolyPhen-2, Align-GVGD) all suggest that this variant is likely to be tolerated, but these predictions have not been confirmed by published functional studies and their clinical significance is uncertain. In summary, the available evidence is currently insufficient to determine the role of this variant in disease. Therefore, it has been classified as a Variant of Uncertain Significance. This variant has not been reported in the literature in individuals with FANCM-related conditions. This variant is present in population databases (rs192438733, ExAC 0.04%). This sequence change replaces valine with isoleucine at codon 1486 of the FANCM protein (p.Val1486Ile). The valine residue is weakly conserved and there is a small physicochemical difference between valine and isoleucine.

NM_020937.4(FANCM):c.4456G>A (p.Val1486Ile)

Gene: FANCM (FA complementation group M; plus strand). Cytogenetic location: 14q21.2.
Variant type: single nucleotide variant.
Coding change: c.4456G>A on transcript NM_020937.4 (MANE Select); coding-DNA position 4456, G replaced by A.
Protein change: p.Val1486Ile; replaces valine 1486 with isoleucine.
Molecular consequence: missense variant.
Genome position (GRCh38, 1-based): chr14:45,183,843, G>A. VCF-style: chr14-45183843-G-A. GRCh37 (hg19) VCF-style: chr14-45653046-G-A.
Other names: c.4378G>A, p.Val1460Ile (NM_001308133.2); c.4456G>A (NM_020937.3); short protein forms V1460I, V1486I.
Identifiers: ClinVar variation 1001644 (VCV001001644.10), dbSNP rs192438733, ClinGen allele CA7169751.